The following is an entry in ClinVar:

NM_003743.5(NCOA1):c.675T>G (p.Thr225=)

Gene: NCOA1 (nuclear receptor coactivator 1; plus strand). Cytogenetic location: 2p23.3.
Variant type: single nucleotide variant.
Coding change: c.675T>G on transcript NM_003743.5 (MANE Select); coding-DNA position 675, T replaced by G.
Protein change: p.Thr225=; no amino-acid change (threonine 225 retained).
Molecular consequence: synonymous variant.
Genome position (GRCh38, 1-based): chr2:24,691,623, T>G. VCF-style: chr2-24691623-T-G. GRCh37 (hg19) VCF-style: chr2-24914492-T-G.
Other names: c.675T>G, p.Thr225= (NM_001362950.1, NM_001362952.1, NM_001362954.1 and 3 more transcripts).
Identifiers: ClinVar variation 2650717 (VCV002650717.24), dbSNP rs2465747056, ClinGen allele CA425169677.

ClinVar aggregate classification (germline): Likely benign (1 of 4 stars; one submission).

Submission:

CeGaT Center for Human Genetics Tuebingen
Classification: Likely benign. Last evaluated: 2022-07-01. Review status: criteria provided, single submitter. Criteria: CeGaT Center For Human Genetics Tuebingen Variant Classification Criteria Version 2. Collection method: clinical testing. Allele origin: germline. Affected: yes. Observed: 1 variant allele.
Comment: NCOA1: PM2:Supporting, BP4, BP7